The following is an entry in ClinVar:

NM_015981.4(CAMK2A):c.775C>T (p.Arg259Cys)

Gene: CAMK2A (calcium/calmodulin dependent protein kinase II alpha; minus strand). Cytogenetic location: 5q32.
Variant type: single nucleotide variant.
Coding change: c.775C>T on transcript NM_015981.4 (MANE Select); coding-DNA position 775, C replaced by T.
Protein change: p.Arg259Cys; replaces arginine 259 with cysteine.
Molecular consequence: missense variant.
Genome position (GRCh38, 1-based): chr5:150,250,729, G>A on the plus strand (C>T on the coding strand, the complement: CAMK2A is on the minus strand). VCF-style: chr5-150250729-G-A. GRCh37 (hg19) VCF-style: chr5-149630292-G-A.
Other names: c.775C>T (NM_015981.3); c.775C>T, p.Arg259Cys (NM_001363989.1, NM_001363990.1, NM_001369025.2 and 1 more transcripts); short protein forms R259C.
Identifiers: ClinVar variation 2920686 (VCV002920686.3), dbSNP rs2532311966, ClinGen allele CA361749568.

ClinVar aggregate classification (germline): Pathogenic/Likely pathogenic. Review status: criteria provided, multiple submitters, no conflicts (2 of 4 stars). 2 submissions from 2 submitters: Pathogenic (1); Likely pathogenic (1). Last evaluated 2024-12-09.

Conditions:
Intellectual developmental disorder, autosomal dominant 53. Also called: MENTAL RETARDATION, AUTOSOMAL DOMINANT 53; Intellectual disability, autosomal dominant 53. Identifiers: MedGen C4540481, MONDO:0030919, OMIM 617798.

Submissions (2):

GeneDx
Classification: Pathogenic. Last evaluated: 2024-12-09. Review status: criteria provided, single submitter. Criteria: GeneDx Variant Classification Process June 2021. Collection method: clinical testing. Allele origin: germline. Affected: yes.
Comment: Not observed at significant frequency in large population cohorts (gnomAD); In silico analysis supports that this missense variant has a deleterious effect on protein structure/function; Has not been previously published as pathogenic or benign to our knowledge

Department of Genetics, Rouen University Hospital, Normandy Center for Genomic and Personalized Medicine
Classification: Likely pathogenic for Intellectual developmental disorder, autosomal dominant 53. Last evaluated: 2023-07-07. Review status: criteria provided, single submitter. Criteria: ACMG Guidelines, 2015. Collection method: clinical testing. Allele origin: de novo. Affected: yes.